The following is an entry in ClinVar:

ClinVar aggregate classification (germline): Uncertain significance (1 of 4 stars; one submission).

gnomAD v4.1: 1 of 1,614,046 alleles (0.000062%); no homozygotes.

Submission:

Labcorp Genetics (formerly Invitae), Labcorp
Classification: Uncertain significance. Last evaluated: 2025-10-15. Review status: criteria provided, single submitter. Criteria: Invitae Variant Classification Sherloc (09022015). Collection method: clinical testing. Allele origin: germline.
Comment: This sequence change replaces threonine, which is neutral and polar, with isoleucine, which is neutral and non-polar, at codon 436 of the KIF20A protein (p.Thr436Ile). This variant is present in population databases (no rsID available, gnomAD 0.03%). This variant has not been reported in the literature in individuals affected with KIF20A-related conditions. An algorithm developed to predict the effect of missense changes on protein structure and function (PolyPhen-2) suggests that this variant is likely to be disruptive. In summary, the available evidence is currently insufficient to determine the role of this variant in disease. Therefore, it has been classified as a Variant of Uncertain Significance.

NM_005733.3(KIF20A):c.1307C>T (p.Thr436Ile)

Gene: KIF20A (kinesin family member 20A; plus strand). Cytogenetic location: 5q31.2.
Variant type: single nucleotide variant.
Coding change: c.1307C>T on transcript NM_005733.3 (MANE Select); coding-DNA position 1307, C replaced by T.
Protein change: p.Thr436Ile; replaces threonine 436 with isoleucine.
Molecular consequence: missense variant.
Genome position (GRCh38, 1-based): chr5:138,184,060, C>T. VCF-style: chr5-138184060-C-T. GRCh37 (hg19) VCF-style: chr5-137519749-C-T.
Other names: short protein forms T436I.
Identifiers: ClinVar variation 4692209 (VCV004692209.1).